The following is an entry in ClinVar:

NM_015272.5(RPGRIP1L):c.752G>C (p.Arg251Pro)

Gene: RPGRIP1L (RPGRIP1 like; minus strand). Cytogenetic location: 16q12.2.
Variant type: single nucleotide variant.
Coding change: c.752G>C on transcript NM_015272.5 (MANE Select); coding-DNA position 752, G replaced by C.
Protein change: p.Arg251Pro; replaces arginine 251 with proline.
Molecular consequence: missense variant.
Genome position (GRCh38, 1-based): chr16:53,686,457, C>G on the plus strand (G>C on the coding strand, the complement: RPGRIP1L is on the minus strand). VCF-style: chr16-53686457-C-G. GRCh37 (hg19) VCF-style: chr16-53720369-C-G.
Other names: c.752G>C, p.Arg251Pro (NM_001127897.4, NM_001308334.3, NM_001330538.2); c.752G>C (NM_015272.4); short protein forms R251P.
Identifiers: ClinVar variation 1366056 (VCV001366056.7), dbSNP rs767314963, ClinGen allele CA395923780.

ClinVar aggregate classification (germline): Uncertain significance. Review status: criteria provided, multiple submitters, no conflicts (2 of 4 stars). 3 submissions from 3 submitters: Uncertain significance (3). Last evaluated 2025-12-18.

Conditions:
COACH syndrome 3. Identifiers: MedGen C5436841, MONDO:0030862, OMIM 619113.
Joubert syndrome 7 (JBTS7). Identifiers: Orphanet 220497, MedGen C1969053, MONDO:0012694, OMIM 611560.
Meckel syndrome, type 5 (MKS5). Identifiers: Orphanet 564, MedGen C1969052, MONDO:0012695, OMIM 611561.
RPGRIP1L-related disorder. Also called: RPGRIP1L-related condition; RPGRIP1L-related disorders. Identifiers: MedGen CN239416.
Joubert syndrome. Also called: Familial aplasia of the vermis; JOUBERT-BOLTSHAUSER SYNDROME. Identifiers: Orphanet 475, MedGen C5979921, MONDO:0018772.
Meckel-Gruber syndrome. Also called: Dysencephalia splachnocystica; GRUBER SYNDROME; DYSENCEPHALIA SPLANCHNOCYSTICA. Identifiers: Orphanet 564, MedGen C0265215, MONDO:0018921.

gnomAD v4.1: 2 of 1,613,262 alleles (0.00012%); highest among the groups gnomAD compares: Admixed American, 0.0017%; no homozygotes.

Submissions (3):

PreventionGenetics, part of Exact Sciences
Classification: Uncertain significance for RPGRIP1L-related condition. Last evaluated: 2025-12-18. Review status: criteria provided, single submitter. Criteria: ACMG Guidelines, 2015. Collection method: clinical testing. Allele origin: germline.
Comment: The RPGRIP1L c.752G>C variant is predicted to result in the amino acid substitution p.Arg251Pro. To our knowledge, this variant has not been reported in the literature or in a large population database (gnomAD), indicating this variant is rare. At this time, the clinical significance of this variant is uncertain due to the absence of conclusive functional and genetic evidence.

Fulgent Genetics
Classification: Uncertain significance for Joubert syndrome 7; Meckel syndrome, type 5; COACH syndrome 3. Last evaluated: 2024-05-25. Review status: criteria provided, single submitter. Criteria: ACMG Guidelines, 2015. Collection method: clinical testing. Allele origin: germline.

Labcorp Genetics (formerly Invitae), Labcorp
Classification: Uncertain significance for Joubert syndrome; Meckel-Gruber syndrome. Last evaluated: 2021-08-31. Review status: criteria provided, single submitter. Criteria: Invitae Variant Classification Sherloc (09022015). Collection method: clinical testing. Allele origin: germline.
Comment: This sequence change replaces arginine with proline at codon 251 of the RPGRIP1L protein (p.Arg251Pro). The arginine residue is highly conserved and there is a moderate physicochemical difference between arginine and proline. This variant is not present in population databases (ExAC no frequency). This variant has not been reported in the literature in individuals affected with RPGRIP1L-related conditions. Algorithms developed to predict the effect of missense changes on protein structure and function (SIFT, PolyPhen-2, Align-GVGD) all suggest that this variant is likely to be disruptive. In summary, the available evidence is currently insufficient to determine the role of this variant in disease. Therefore, it has been classified as a Variant of Uncertain Significance.